The following is an entry in ClinVar:

NM_025099.6(CTC1):c.1746del (p.Ser583fs)

Gene: CTC1 (CST telomere replication complex component 1; minus strand). Cytogenetic location: 17p13.1.
Variant type: Deletion.
Coding change: c.1746del on transcript NM_025099.6 (MANE Select); coding-DNA position 1746, one base deleted (C; older notation c.1746delC).
Protein change: p.Ser583fs; shifts the reading frame from serine 583.
Molecular consequence: frameshift variant. On other transcripts: non-coding transcript variant (1).
Genome position (GRCh38, 1-based): chr17:8,234,527, G deleted on the plus strand (C on the coding strand, the reverse complement: CTC1 is on the minus strand); the first of 3 consecutive G bases (chr17:8,234,527-8,234,529); deleting any one gives the same sequence. VCF-style (leftmost placement, unchanged base first): chr17-8234526-TG-T. GRCh37 (hg19) VCF-style: chr17-8137844-TG-T.
Other names: c.1746del, p.Ser583fs (NM_001411067.1); short protein forms S583fs.
Identifiers: ClinVar variation 2883897 (VCV002883897.4), dbSNP rs1243056540, ClinGen allele CA624869531.
Genomic context (GRCh38, chr17:8,234,526, plus strand): 5'-AGAAGGCAGAGGGCAGCAGACAGAGCCAGGACCAAGCCAGGCGGCGATTGAGTTGGCAGC[TG>T]GGCAGGTAGGAGGCCTCCGGGAGGGGCAGAAGGGCCTTAGGGTCAAAGGAGGCCCAGGCC-3'

ClinVar aggregate classification (germline): Pathogenic/Likely pathogenic. Review status: criteria provided, multiple submitters, no conflicts (2 of 4 stars). 2 submissions from 2 submitters: Pathogenic (1); Likely pathogenic (1). Last evaluated 2024-01-12.

Conditions:
CTC1-related disorder. Also called: CTC1-related condition.
Dyskeratosis congenita. Identifiers: Orphanet 1775, MedGen C0265965, MONDO:0015780.

Submissions (2):

Labcorp Genetics (formerly Invitae), Labcorp
Classification: Pathogenic for Dyskeratosis congenita. Last evaluated: 2024-01-12. Review status: criteria provided, single submitter. Criteria: Invitae Variant Classification Sherloc (09022015). Collection method: clinical testing. Allele origin: germline.
Comment: This sequence change creates a premature translational stop signal (p.Ser583Alafs*65) in the CTC1 gene. It is expected to result in an absent or disrupted protein product. Loss-of-function variants in CTC1 are known to be pathogenic (PMID: 22267198, 22387016). This variant is present in population databases (no rsID available, gnomAD 0.002%). This variant has not been reported in the literature in individuals affected with CTC1-related conditions. For these reasons, this variant has been classified as Pathogenic.

Blueprint Genetics
Classification: Likely pathogenic for CTC1-related disorders. Last evaluated: 2021-02-09. Review status: criteria provided, single submitter. Criteria: ACMG Guidelines, 2015. Collection method: clinical testing. Allele origin: germline. Affected: yes. Observed: 4 variant alleles.

Literature cited by the submitters: PubMed 22267198 (cited by Labcorp Genetics (formerly Invitae), Labcorp); PubMed 22387016 (cited by Labcorp Genetics (formerly Invitae), Labcorp).